The following is an entry in ClinVar:

NM_000459.5(TEK):c.3339_3342del (p.Thr1112_Tyr1113insTer)

Gene: TEK (TEK receptor tyrosine kinase; plus strand). Cytogenetic location: 9p21.2.
Variant type: Deletion.
Coding change: c.3339_3342del on transcript NM_000459.5 (MANE Select); coding-DNA positions 3339 to 3342, 4 bases deleted (TGCA; older notation c.3339_3342delTGCA).
Protein change: p.Thr1112_Tyr1113insTer.
Molecular consequence: nonsense.
Genome position (GRCh38, 1-based): chr9:27,229,196-27,229,199, TGCA deleted; deleting any 4 consecutive bases within chr9:27,229,195-27,229,199 gives the same sequence; the c. name uses the placement nearest the transcript's 3' end. VCF-style (leftmost placement, unchanged base first): chr9-27229194-TATGC-T. GRCh37 (hg19) VCF-style: chr9-27229192-TATGC-T.
Other names: c.3210_3213del, p.Thr1069_Tyr1070insTer (NM_001290077.2); c.2895_2898del, p.Thr964_Tyr965insTer (NM_001290078.2); c.3336_3339del, p.Thr1111_Tyr1112insTer (NM_001375475.1); c.3207_3210del, p.Thr1068_Tyr1069insTer (NM_001375476.1).
Identifiers: ClinVar variation 3774520 (VCV003774520.1).

ClinVar aggregate classification (germline): Pathogenic (1 of 4 stars; one submission).

Conditions:
Vascular malformation. Also called: Vascular malformations. Identifiers: MedGen C0158570, MONDO:0024291.

Submission:

Clinical Genomics Laboratory, Washington University in St. Louis
Classification: Pathogenic for Vascular malformation. Last evaluated: 2024-06-10. Review status: criteria provided, single submitter. Criteria: Leon-Quintero et al. (Clin Genet. 2025). Collection method: clinical testing. Allele origin: somatic. Affected: yes.
Comment: A TEK c.3339_3342del (p.Tyr1113*) variant was identified at an allelic fraction consistent with somatic origin. This variant (p.Tyr1113*) has been reported in an individual with a vascular malformation (Limaye N et al., PMID: 26637981). The same amino acid change (p.Tyr1113*), but a different nucleotide change (c.3339T>A) has been reported in the ClinVar database as a germline pathogenic variant by one submitter (ClinVar ID: 2664277). It is absent from the general population (gnomAD v.4.1.0), indicating it is not a common variant. The TEK c.3339_3342del (p.Tyr1113*) variant resides within the C-terminal tail, which is defined as a critical functional domain (Shewchuk LM et al., PMID: 11080633). Functional studies on truncating variants in exon 23 of TEK (carboxy terminus of Tie2) demonstrated ligand-independent hyperphosphorylation of the Tie2 receptor,which is predicted to disrupt an autoinhibitory mechanism involving the C terminal region of Tie2 and thus resulting in constitutive activation of the downstream AKT signaling pathway (Natynki M et al., PMID: 26319232; Soblet J et al., PMID: 23801934; Niu XL et al., PMID: 12082108). Specifically, functional evidence demonstrates that modifications to the Y1113 residue in particular result in uncontrolled angiogenesis through the inhibition of calmodulin binding (Yang C et al., PMID: 27199448). This variant causes a frameshift by deleting four nucleotides, leading to a premature termination codon; however, because this occurs in the last exon, this is not predicted to lead to nonsense mediated decay. Based on available information and an internally developed protocol informed by the ACMG/AMP guidelines for variant interpretation and gene-specific practices from the ClinGen Criteria Specification Registry (Leon-Quintero FZ et al., PMID: 39434542), the TEK c.3339_3342del (p.Tyr1113*) variant is classified as pathogenic.